The following is an entry in ClinVar:

NM_004329.3(BMPR1A):c.1550T>C (p.Ile517Thr)

Gene: BMPR1A (bone morphogenetic protein receptor type 1A; plus strand). Cytogenetic location: 10q23.2.
Variant type: single nucleotide variant.
Coding change: c.1550T>C on transcript NM_004329.3 (MANE Select); coding-DNA position 1550, T replaced by C.
Protein change: p.Ile517Thr; replaces isoleucine 517 with threonine.
Molecular consequence: missense variant.
Genome position (GRCh38, 1-based): chr10:86,923,670, T>C. VCF-style: chr10-86923670-T-C. GRCh37 (hg19) VCF-style: chr10-88683427-T-C.
Other names: short protein forms I517T.
Identifiers: ClinVar variation 1057932 (VCV001057932.17), dbSNP rs1554891667, ClinGen allele CA377463924.

ClinVar aggregate classification (germline): Uncertain significance. Review status: criteria provided, multiple submitters, no conflicts (2 of 4 stars). 5 submissions from 5 submitters: Uncertain significance (5). Last evaluated 2025-12-22.

Conditions:
Hereditary cancer-predisposing syndrome. Also called: Tumor predisposition; Neoplastic Syndromes, Hereditary; Hereditary Cancer Syndrome; Hereditary neoplastic syndrome. Identifiers: Orphanet 140162, MedGen C0027672, MeSH D009386, MONDO:0015356.
Juvenile polyposis syndrome (JPS). Identifiers: Orphanet 2929, MedGen C0345893, MONDO:0017380, OMIM 174900.

Allele frequency attached by ClinVar (database versions not stated): gnomAD exomes below 0.00001.
gnomAD v4.1: 1 of 1,614,220 alleles (0.000062%); highest among the groups gnomAD compares: Non-Finnish European, 0.000085%; no homozygotes.

Submissions (5):

Labcorp Genetics (formerly Invitae), Labcorp
Classification: Uncertain significance for Juvenile polyposis syndrome. Last evaluated: 2025-12-22. Review status: criteria provided, single submitter. Criteria: Invitae Variant Classification Sherloc (09022015). Collection method: clinical testing. Allele origin: germline.
Comment: This sequence change replaces isoleucine, which is neutral and non-polar, with threonine, which is neutral and polar, at codon 517 of the BMPR1A protein (p.Ile517Thr). This variant is not present in population databases (gnomAD no frequency). This variant has not been reported in the literature in individuals affected with BMPR1A-related conditions. ClinVar contains an entry for this variant (Variation ID: 1057932). Invitae Evidence Modeling of protein sequence and biophysical properties (such as structural, functional, and spatial information, amino acid conservation, physicochemical variation, residue mobility, and thermodynamic stability) has been performed for this missense variant. However, the output from this modeling did not meet the statistical confidence thresholds required to predict the impact of this variant on BMPR1A protein function. In summary, the available evidence is currently insufficient to determine the role of this variant in disease. Therefore, it has been classified as a Variant of Uncertain Significance.

Ambry Genetics
Classification: Uncertain significance for Hereditary cancer-predisposing syndrome. Last evaluated: 2025-04-10. Review status: criteria provided, single submitter. Criteria: Ambry Variant Classification Scheme 2023. Collection method: clinical testing. Allele origin: germline.
Comment: The p.I517T variant (also known as c.1550T>C), located in coding exon 11 of the BMPR1A gene, results from a T to C substitution at nucleotide position 1550. The isoleucine at codon 517 is replaced by threonine, an amino acid with similar properties. This amino acid position is not well conserved in available vertebrate species. In addition, this alteration is predicted to be deleterious by in silico analysis. Based on the available evidence, the clinical significance of this variant remains unclear.

All of Us Research Program, National Institutes of Health
Classification: Uncertain significance for Juvenile polyposis syndrome. Last evaluated: 2024-03-24. Review status: criteria provided, single submitter. Criteria: ACMG Guidelines, 2015. Collection method: clinical testing. Allele origin: germline. Inheritance: Autosomal dominant inheritance. Observed: 1 variant allele, 1 heterozygote.
Comment: This missense variant replaces isoleucine with threonine at codon 517 of the BMPR1A protein. Computational prediction suggests that this variant may have deleterious impact on protein structure and function (internally defined REVEL score threshold >= 0.7, PMID: 27666373). To our knowledge, functional studies have not been reported for this variant. This variant has not been reported in individuals affected with BMPR1A-related disorders in the literature. This variant has not been identified in the general population by the Genome Aggregation Database (gnomAD). The available evidence is insufficient to determine the role of this variant in disease conclusively. Therefore, this variant is classified as a Variant of Uncertain Significance.

This study involves interpretation of variants in research participants for the purpose of population health screening. Participant phenotype was not available at the time of variant classification. Additional details can be found in publication PMID: 35346344, PMCID: PMC8962531

St. Jude Molecular Pathology, St. Jude Children's Research Hospital
Classification: Uncertain significance for Juvenile polyposis syndrome. Last evaluated: 2023-01-10. Review status: criteria provided, single submitter. Criteria: St. Jude Assertion Criteria 2020. Collection method: clinical testing. Allele origin: germline.
Comment: The BMPR1A c.1550T>C (p.Ile517Thr) missense change is absent in gnomAD v2.1.1. The in silico tool REVEL predicts a deleterious effect on protein function, but to our knowledge this prediction has not been confirmed by functional studies. To our knowledge, this variant has not been reported in individuals with juvenile polyposis syndrome. In summary, the evidence currently available is insufficient to determine the clinical significance of this variant. It has therefore been classified as of uncertain significance.

Genetic Services Laboratory, University of Chicago
Classification: Uncertain significance. Last evaluated: 2019-04-24. Review status: criteria provided, single submitter. Criteria: ACMG Guidelines, 2015. Collection method: clinical testing. Allele origin: germline. Affected: no.